The following is an entry in ClinVar:

ClinVar aggregate classification (germline): Uncertain significance. Review status: criteria provided, multiple submitters, no conflicts (2 of 4 stars). 2 submissions from 2 submitters: Uncertain significance (2). Last evaluated 2024-11-01.

Allele frequency attached by ClinVar (database versions not stated): gnomAD exomes below 0.00001.
gnomAD v4.1: 1 of 1,536,558 alleles (0.000065%); highest among the groups gnomAD compares: Admixed American, 0.0019%; no homozygotes.

Submissions (2):

Blueprint Genetics
Classification: Uncertain significance. Last evaluated: 2024-11-01. Review status: criteria provided, single submitter. Criteria: ACMG Guidelines, 2015. Collection method: clinical testing. Allele origin: germline.

Labcorp Genetics (formerly Invitae), Labcorp
Classification: Uncertain significance. Last evaluated: 2024-02-19. Review status: criteria provided, single submitter. Criteria: Invitae Variant Classification Sherloc (09022015). Collection method: clinical testing. Allele origin: germline.
Comment: This sequence change replaces proline, which is neutral and non-polar, with threonine, which is neutral and polar, at codon 583 of the HELLS protein (p.Pro583Thr). This variant is present in population databases (no rsID available, gnomAD 0.004%). This variant has not been reported in the literature in individuals affected with HELLS-related conditions. ClinVar contains an entry for this variant (Variation ID: 1484327). An algorithm developed to predict the effect of missense changes on protein structure and function (PolyPhen-2) suggests that this variant is likely to be tolerated. In summary, the available evidence is currently insufficient to determine the role of this variant in disease. Therefore, it has been classified as a Variant of Uncertain Significance.

NM_018063.5(HELLS):c.1747C>A (p.Pro583Thr)

Gene: HELLS (helicase, lymphoid specific; plus strand). Cytogenetic location: 10q23.33.
Variant type: single nucleotide variant.
Coding change: c.1747C>A on transcript NM_018063.5 (MANE Select); coding-DNA position 1747, C replaced by A.
Protein change: p.Pro583Thr; replaces proline 583 with threonine.
Molecular consequence: missense variant.
Genome position (GRCh38, 1-based): chr10:94,590,756, C>A. VCF-style: chr10-94590756-C-A. GRCh37 (hg19) VCF-style: chr10-96350513-C-A.
Other names: c.1885C>A, p.Pro629Thr (NM_001289067.2); c.1699C>A, p.Pro567Thr (NM_001289068.2); c.1651C>A, p.Pro551Thr (NM_001289069.2); c.1453C>A, p.Pro485Thr (NM_001289070.2); c.1375C>A, p.Pro459Thr (NM_001289071.2); c.1357C>A, p.Pro453Thr (NM_001289072.2); c.1333C>A, p.Pro445Thr (NM_001289073.2); c.664C>A, p.Pro222Thr (NM_001289074.2); and 1 more; short protein forms P459T, P629T, P222T, P567T, P445T, P583T, P177T, P453T.
Identifiers: ClinVar variation 1484327 (VCV001484327.9), dbSNP rs1239862266, ClinGen allele CA377666803.